The following is an entry in ClinVar:

ClinVar aggregate classification (germline): Uncertain significance. Review status: criteria provided, multiple submitters, no conflicts (2 of 4 stars). 2 submissions from 2 submitters: Uncertain significance (2). Last evaluated 2024-04-29.

Conditions:
Inborn genetic diseases. Identifiers: MedGen C0950123, MeSH D030342.

Allele frequency attached by ClinVar (database versions not stated): TOPMed 0.00008; gnomAD 0.00009; gnomAD exomes 0.00010 and 0.00019; ExAC 0.00021.
gnomAD v4.1: 159 of 1,572,476 alleles (0.01%); highest among the groups gnomAD compares: Middle Eastern, 0.04%; no homozygotes.

Submissions (2):

Ambry Genetics
Classification: Uncertain significance for Inborn genetic diseases. Last evaluated: 2024-04-29. Review status: criteria provided, single submitter. Criteria: Ambry Variant Classification Scheme 2023. Collection method: clinical testing. Allele origin: germline.

Labcorp Genetics (formerly Invitae), Labcorp
Classification: Uncertain significance. Last evaluated: 2022-07-21. Review status: criteria provided, single submitter. Criteria: Invitae Variant Classification Sherloc (09022015). Collection method: clinical testing. Allele origin: germline.
Comment: This sequence change replaces lysine, which is basic and polar, with asparagine, which is neutral and polar, at codon 134 of the HES7 protein (p.Lys134Asn). This variant is present in population databases (rs757665555, gnomAD 0.04%). This variant has not been reported in the literature in individuals affected with HES7-related conditions. ClinVar contains an entry for this variant (Variation ID: 1432572). Algorithms developed to predict the effect of missense changes on protein structure and function are either unavailable or do not agree on the potential impact of this missense change (SIFT: "Deleterious"; PolyPhen-2: "Benign"; Align-GVGD: "Class C0"). In summary, the available evidence is currently insufficient to determine the role of this variant in disease. Therefore, it has been classified as a Variant of Uncertain Significance.

NM_001165967.2(HES7):c.417G>T (p.Lys139Asn)

Genes: HES7 (hes family bHLH transcription factor 7; minus strand), LOC130060203 (ATAC-STARR-seq lymphoblastoid silent region 8155; plus strand). Cytogenetic location: 17p13.1.
Variant type: single nucleotide variant.
Coding change: c.417G>T on transcript NM_001165967.2 (MANE Select); coding-DNA position 417, G replaced by T.
Protein change: p.Lys139Asn; replaces lysine 139 with asparagine.
Molecular consequence: missense variant.
Genome position (GRCh38, 1-based): chr17:8,121,847, C>A on the plus strand (G>T on the coding strand, the complement: HES7 is on the minus strand). VCF-style: chr17-8121847-C-A. GRCh37 (hg19) VCF-style: chr17-8025165-C-A.
Other names: c.402G>T, p.Lys134Asn (NM_032580.4); c.402G>T (NM_032580.3); short protein forms K134N, K139N.
Identifiers: ClinVar variation 1432572 (VCV001432572.4), dbSNP rs757665555, ClinGen allele CA8368640.